The following is an entry in ClinVar:

NM_001382567.1(STIM1):c.877G>A (p.Ala293Thr)

Gene: STIM1 (stromal interaction molecule 1; plus strand). Cytogenetic location: 11p15.4.
Variant type: single nucleotide variant.
Coding change: c.877G>A on transcript NM_001382567.1 (MANE Select); coding-DNA position 877, G replaced by A.
Protein change: p.Ala293Thr; replaces alanine 293 with threonine.
Molecular consequence: missense variant.
Genome position (GRCh38, 1-based): chr11:4,074,587, G>A. VCF-style: chr11-4074587-G-A. GRCh37 (hg19) VCF-style: chr11-4095817-G-A.
Other names: c.397G>A, p.Ala133Thr (NM_001382571.1); c.877G>A, p.Ala293Thr (NM_001382572.1, NM_001277961.3, NM_001277962.2 and 2 more transcripts); c.655G>A, p.Ala219Thr (NM_001382573.1, NM_001382574.1, NM_001382575.1 and 5 more transcripts); c.388G>A, p.Ala130Thr (NM_001382580.1, NM_001382581.1); c.742G>A, p.Ala248Thr (NM_001382569.1); c.649G>A, p.Ala217Thr (NM_001382570.1); short protein forms A130T, A133T, A217T, A219T, A248T, A293T.
Identifiers: ClinVar variation 3764000 (VCV003764000.2).

ClinVar aggregate classification (germline): Uncertain significance (1 of 4 stars; one submission).

Conditions:
Myopathy with tubular aggregates (TAM). Also called: Tubular Aggregate Myopathy. Identifiers: Orphanet 2593, MedGen C0410207, MONDO:0008051.
Stormorken syndrome (STRMK). Also called: THROMBOCYTOPATHY, ASPLENIA, AND MIOSIS. Identifiers: Orphanet 3204, MedGen C1861451, MONDO:0008497, OMIM 185070.
Combined immunodeficiency due to STIM1 deficiency. Also called: STIM1 DEFICIENCY; IMMUNODEFICIENCY 10. Identifiers: Orphanet 169090, Orphanet 317430, MedGen C2748557, MONDO:0013008, OMIM 612783.

Submission:

Labcorp Genetics (formerly Invitae), Labcorp
Classification: Uncertain significance for Myopathy with tubular aggregates; Combined immunodeficiency due to STIM1 deficiency; Stormorken syndrome. Last evaluated: 2024-07-10. Review status: criteria provided, single submitter. Criteria: Invitae Variant Classification Sherloc (09022015). Collection method: clinical testing. Allele origin: germline.
Comment: This sequence change replaces alanine, which is neutral and non-polar, with threonine, which is neutral and polar, at codon 293 of the STIM1 protein (p.Ala293Thr). This variant is not present in population databases (gnomAD no frequency). This variant has not been reported in the literature in individuals affected with STIM1-related conditions. Advanced modeling of protein sequence and biophysical properties (such as structural, functional, and spatial information, amino acid conservation, physicochemical variation, residue mobility, and thermodynamic stability) has been performed at Invitae for this missense variant, however the output from this modeling did not meet the statistical confidence thresholds required to predict the impact of this variant on STIM1 protein function. In summary, the available evidence is currently insufficient to determine the role of this variant in disease. Therefore, it has been classified as a Variant of Uncertain Significance.